The following is an entry in ClinVar:

NM_152701.5(ABCA13):c.10G>A (p.Ala4Thr)

Gene: ABCA13 (ATP binding cassette subfamily A member 13; plus strand). Cytogenetic location: 7p12.3.
Variant type: single nucleotide variant.
Coding change: c.10G>A on transcript NM_152701.5 (MANE Select); coding-DNA position 10, G replaced by A.
Protein change: p.Ala4Thr; replaces alanine 4 with threonine.
Molecular consequence: missense variant.
Genome position (GRCh38, 1-based): chr7:48,171,493, G>A. VCF-style: chr7-48171493-G-A. GRCh37 (hg19) VCF-style: chr7-48211090-G-A.
Other names: short protein forms A4T.
Identifiers: ClinVar variation 2458275 (VCV002458275.27), dbSNP rs144916268, ClinGen allele CA4255992.

ClinVar aggregate classification (germline): Conflicting classifications of pathogenicity. Review status: criteria provided, conflicting classifications (1 of 4 stars). 2 submissions from 2 submitters: Uncertain significance (1); Likely benign (1). Last evaluated 2025-02-07.

Allele frequency attached by ClinVar (database versions not stated): ExAC 0.00006; 1000 Genomes Project 0.00020; TOPMed 0.00030; 1000 Genomes Project 30x 0.00031; gnomAD exomes 0.00031; gnomAD 0.00034; ESP Exome Variant Server 0.00044.
gnomAD v4.1: 475 of 1,536,154 alleles (0.031%); highest among the groups gnomAD compares: Non-Finnish European, 0.04%; 1 homozygote.

Submissions (2):

Ambry Genetics
Classification: Uncertain significance. Last evaluated: 2025-02-07. Review status: criteria provided, single submitter. Criteria: Ambry Variant Classification Scheme 2023. Collection method: clinical testing. Allele origin: germline.

CeGaT Center for Human Genetics Tuebingen
Classification: Likely benign. Last evaluated: 2022-12-01. Review status: criteria provided, single submitter. Criteria: CeGaT Center For Human Genetics Tuebingen Variant Classification Criteria Version 2. Collection method: clinical testing. Allele origin: germline. Affected: yes. Observed: 1 variant allele.
Comment: ABCA13: BP4